The following is an entry in ClinVar:

ClinVar aggregate classification (germline): Uncertain significance. Review status: criteria provided, multiple submitters, no conflicts (2 of 4 stars). 2 submissions from 2 submitters: Uncertain significance (2). Last evaluated 2025-06-15.

Conditions:
Inborn genetic diseases. Identifiers: MedGen C0950123, MeSH D030342.
Aortic valve disease 2 (AOVD2). Identifiers: MedGen C3542024, MONDO:0013902, OMIM 614823.

Allele frequency attached by ClinVar (database versions not stated): gnomAD exomes below 0.00001; TOPMed 0.00001.
gnomAD v4.1: 4 of 1,608,110 alleles (0.00025%); highest among the groups gnomAD compares: Admixed American, 0.0017%; no homozygotes.

Submissions (2):

Labcorp Genetics (formerly Invitae), Labcorp
Classification: Uncertain significance for Aortic valve disease 2. Last evaluated: 2025-06-15. Review status: criteria provided, single submitter. Criteria: Invitae Variant Classification Sherloc (09022015). Collection method: clinical testing. Allele origin: germline.
Comment: This sequence change replaces leucine, which is neutral and non-polar, with proline, which is neutral and non-polar, at codon 373 of the SMAD6 protein (p.Leu373Pro). The frequency data for this variant in the population databases is considered unreliable, as metrics indicate poor data quality at this position in the gnomAD database. This variant has not been reported in the literature in individuals affected with SMAD6-related conditions. ClinVar contains an entry for this variant (Variation ID: 999929). Invitae Evidence Modeling of protein sequence and biophysical properties (such as structural, functional, and spatial information, amino acid conservation, physicochemical variation, residue mobility, and thermodynamic stability) indicates that this missense variant is not expected to disrupt SMAD6 protein function with a negative predictive value of 80%. In summary, the available evidence is currently insufficient to determine the role of this variant in disease. Therefore, it has been classified as a Variant of Uncertain Significance.

Ambry Genetics
Classification: Uncertain significance for Inborn genetic diseases. Last evaluated: 2025-06-10. Review status: criteria provided, single submitter. Criteria: Ambry Variant Classification Scheme 2023. Collection method: clinical testing. Allele origin: germline.
Comment: The p.L373P variant (also known as c.1118T>C), located in coding exon 4 of the SMAD6 gene, results from a T to C substitution at nucleotide position 1118. The leucine at codon 373 is replaced by proline, an amino acid with similar properties. This amino acid position is conserved. In addition, this alteration is predicted to be deleterious by in silico analysis. Based on the available evidence, the clinical significance of this variant remains unclear.

NM_005585.5(SMAD6):c.1118T>C (p.Leu373Pro)

Gene: SMAD6 (SMAD family member 6; plus strand). Cytogenetic location: 15q22.31.
Variant type: single nucleotide variant.
Coding change: c.1118T>C on transcript NM_005585.5 (MANE Select); coding-DNA position 1118, T replaced by C.
Protein change: p.Leu373Pro; replaces leucine 373 with proline.
Molecular consequence: missense variant. On other transcripts: non-coding transcript variant (1).
Genome position (GRCh38, 1-based): chr15:66,781,162, T>C. VCF-style: chr15-66781162-T-C. GRCh37 (hg19) VCF-style: chr15-67073500-T-C.
Other names: c.1118T>C (NM_005585.4); short protein forms L373P.
Identifiers: ClinVar variation 999929 (VCV000999929.9), dbSNP rs947145210, ClinGen allele CA272023380.